The following is an entry in ClinVar:

ClinVar aggregate classification (germline): Uncertain significance. Review status: criteria provided, multiple submitters, no conflicts (2 of 4 stars). 2 submissions from 2 submitters: Uncertain significance (2). Last evaluated 2025-09-11.

Allele frequency attached by ClinVar (database versions not stated): TOPMed below 0.00001; gnomAD exomes 0.00001.
gnomAD v4.1: 8 of 1,602,730 alleles (0.0005%); highest among the groups gnomAD compares: Middle Eastern, 0.017%; no homozygotes.

Submissions (2):

Ambry Genetics
Classification: Uncertain significance. Last evaluated: 2025-09-11. Review status: criteria provided, single submitter. Criteria: Ambry Variant Classification Scheme 2023. Collection method: clinical testing. Allele origin: germline.

Labcorp Genetics (formerly Invitae), Labcorp
Classification: Uncertain significance. Last evaluated: 2023-01-13. Review status: criteria provided, single submitter. Criteria: Invitae Variant Classification Sherloc (09022015). Collection method: clinical testing. Allele origin: germline.
Comment: This sequence change replaces leucine, which is neutral and non-polar, with valine, which is neutral and non-polar, at codon 234 of the ZNF687 protein (p.Leu234Val). This variant is not present in population databases (gnomAD no frequency). This variant has not been reported in the literature in individuals affected with ZNF687-related conditions. Algorithms developed to predict the effect of missense changes on protein structure and function are either unavailable or do not agree on the potential impact of this missense change (SIFT: "Deleterious"; PolyPhen-2: "Benign"; Align-GVGD: "Class C25"). In summary, the available evidence is currently insufficient to determine the role of this variant in disease. Therefore, it has been classified as a Variant of Uncertain Significance.

NM_020832.3(ZNF687):c.700C>G (p.Leu234Val)

Gene: ZNF687 (zinc finger protein 687; plus strand). Cytogenetic location: 1q21.3.
Variant type: single nucleotide variant.
Coding change: c.700C>G on transcript NM_020832.3 (MANE Select); coding-DNA position 700, C replaced by G.
Protein change: p.Leu234Val; replaces leucine 234 with valine.
Molecular consequence: missense variant.
Genome position (GRCh38, 1-based): chr1:151,286,991, C>G. VCF-style: chr1-151286991-C-G. GRCh37 (hg19) VCF-style: chr1-151259467-C-G.
Other names: c.700C>G (NM_020832.1); c.700C>G, p.Leu234Val (NM_001304763.2, NM_001304764.2); short protein forms L234V.
Identifiers: ClinVar variation 2891801 (VCV002891801.4), dbSNP rs1693975274, ClinGen allele CA341931566.